The following is an entry in ClinVar:

NM_001267550.2(TTN):c.40543G>A (p.Val13515Ile)

Gene: TTN (titin; minus strand). Cytogenetic location: 2q31.2.
Variant type: single nucleotide variant.
Coding change: c.40543G>A on transcript NM_001267550.2 (MANE Select); coding-DNA position 40543, G replaced by A.
Protein change: p.Val13515Ile; replaces valine 13515 with isoleucine.
Molecular consequence: missense variant.
Genome position (GRCh38, 1-based): chr2:178,642,252, C>T on the plus strand (G>A on the coding strand, the complement: TTN is on the minus strand). VCF-style: chr2-178642252-C-T. GRCh37 (hg19) VCF-style: chr2-179506979-C-T.
Other names: c.35620G>A, p.Val11874Ile (NM_001256850.1); c.13348G>A, p.Val4450Ile (NM_003319.4); c.32839G>A, p.Val10947Ile (NM_133378.4); c.13723G>A, p.Val4575Ile (NM_133432.3); c.13924G>A, p.Val4642Ile (NM_133437.4); short protein forms V10947I, V13515I, V11874I, V4642I, V4450I, V4575I.
Identifiers: ClinVar variation 167790 (VCV000167790.13), dbSNP rs727504200, ClinGen allele CA235129.

ClinVar aggregate classification (germline): Uncertain significance. Review status: criteria provided, multiple submitters, no conflicts (2 of 4 stars). 7 submissions from 3 submitters: Uncertain significance (7). Last evaluated 2018-01-13.

Conditions:
Myopathy, myofibrillar, 9, with early respiratory failure (MFM9). Also called: Hereditary myopathy with early respiratory failure; EDSTROM MYOPATHY; Myopathy, distal, with early respiratory failure, autosomal dominant; MYOPATHY, PROXIMAL, WITH EARLY RESPIRATORY MUSCLE INVOLVEMENT. Identifiers: Orphanet 178464, Orphanet 34521, MedGen C1863599, MONDO:0011362, OMIM 603689.
Dilated cardiomyopathy 1G (CMD1G). Identifiers: Orphanet 154, MedGen C1858763, MONDO:0011400, OMIM 604145.
Tibial muscular dystrophy (TMD). Also called: Udd Distal Myopathy – Tibial Muscular Dystrophy; Tibial muscular dystrophy, tardive; UDD MYOPATHY. Identifiers: Orphanet 609, MedGen C1838244, MONDO:0010870, OMIM 600334.
Early-onset myopathy with fatal cardiomyopathy (CMYO5). Also called: CONGENITAL MYOPATHY 5 WITH CARDIOMYOPATHY; Salih Myopathy. Identifiers: Orphanet 289377, MedGen C2673677, MONDO:0012714, OMIM 611705. Disease mechanism: loss of function.
Autosomal recessive limb-girdle muscular dystrophy type 2J (LGMDR10). Also called: MUSCULAR DYSTROPHY, LIMB-GIRDLE, AUTOSOMAL RECESSIVE 10; Limb-girdle muscular dystrophy, type 2J. Identifiers: Orphanet 140922, MedGen C1837342, MONDO:0012127, OMIM 608807.

Allele frequency attached by ClinVar (database versions not stated): TOPMed 0.00010; gnomAD 0.00017 and 0.00016; gnomAD exomes 0.00001 and 0.00005.
gnomAD v4.1: 41 of 1,591,172 alleles (0.0026%); highest among the groups gnomAD compares: Admixed American, 0.061%; no homozygotes.

Submissions (7):

Illumina Laboratory Services, Illumina
Classification: Uncertain significance for Autosomal recessive limb-girdle muscular dystrophy type 2J. Last evaluated: 2018-01-13. Review status: criteria provided, single submitter. Criteria: ICSL Variant Classification Criteria 13 December 2019. Collection method: clinical testing. Allele origin: germline.

Illumina Laboratory Services, Illumina
Classification: Uncertain significance for Tibial muscular dystrophy. Last evaluated: 2018-01-13. Review status: criteria provided, single submitter. Criteria: ICSL Variant Classification Criteria 13 December 2019. Collection method: clinical testing. Allele origin: germline.

Illumina Laboratory Services, Illumina
Classification: Uncertain significance for Early-onset myopathy with fatal cardiomyopathy. Last evaluated: 2018-01-13. Review status: criteria provided, single submitter. Criteria: ICSL Variant Classification Criteria 13 December 2019. Collection method: clinical testing. Allele origin: germline.

Illumina Laboratory Services, Illumina
Classification: Uncertain significance for Dilated cardiomyopathy 1G. Last evaluated: 2018-01-13. Review status: criteria provided, single submitter. Criteria: ICSL Variant Classification Criteria 13 December 2019. Collection method: clinical testing. Allele origin: germline.

Illumina Laboratory Services, Illumina
Classification: Uncertain significance for Myopathy, myofibrillar, 9, with early respiratory failure. Last evaluated: 2018-01-13. Review status: criteria provided, single submitter. Criteria: ICSL Variant Classification Criteria 13 December 2019. Collection method: clinical testing. Allele origin: germline.

Laboratory for Molecular Medicine, Mass General Brigham Personalized Medicine
Classification: Uncertain significance. Last evaluated: 2017-01-23. Review status: criteria provided, single submitter. Criteria: LMM Criteria. Collection method: clinical testing. Allele origin: germline. Observed: 1 variant allele.
Comment: Variant classified as Uncertain Significance - Favor Benign. The p.Val10947Ile v ariant in TTN has not been previously reported in individuals with cardiomyopath y and was absent from large population studies. This variant has been reported i n one individual whose phenotype was not specified (ClinVar Variation ID 167790) . Valine at position 10947 is not conserved in mammals or evolutionarily distant species and 2 mammals (marmoset and shrew) carry an isoleucine (Ile) at this po sition, raising the possibility that this change may be tolerated. Additional c omputational prediction tools suggest that the p.Val10947Ile variant may not imp act the protein, though this information is not predictive enough to rule out pa thogenicity. In summary, while the clinical significance of the p.Val10947Ile va riant is uncertain, these data suggest that it is more likely to be benign.

Eurofins Ntd Llc (ga)
Classification: Uncertain significance. Last evaluated: 2014-01-27. Review status: criteria provided, single submitter. Criteria: EGL Classification Definitions 2015. Collection method: clinical testing. Allele origin: germline. Observed: 1 variant allele, 1 heterozygote.